The following is an entry in ClinVar:

NM_001851.6(COL9A1):c.1546A>G (p.Lys516Glu)

Gene: COL9A1 (collagen type IX alpha 1 chain; minus strand). Cytogenetic location: 6q13.
Variant type: single nucleotide variant.
Coding change: c.1546A>G on transcript NM_001851.6 (MANE Select); coding-DNA position 1546, A replaced by G.
Protein change: p.Lys516Glu; replaces lysine 516 with glutamic acid.
Molecular consequence: missense variant. On other transcripts: non-coding transcript variant (1).
Genome position (GRCh38, 1-based): chr6:70,255,348, T>C on the plus strand (A>G on the coding strand, the complement: COL9A1 is on the minus strand). VCF-style: chr6-70255348-T-C. GRCh37 (hg19) VCF-style: chr6-70965051-T-C.
Other names: c.817A>G, p.Lys273Glu (NM_001377289.1, NM_001377290.1, NM_078485.4); short protein forms K516E, K273E.
Identifiers: ClinVar variation 423285 (VCV000423285.3), dbSNP rs1064796345, ClinGen allele CA16618301.

ClinVar aggregate classification (germline): Uncertain significance (1 of 4 stars; one submission).

Submission:

GeneDx
Classification: Uncertain significance. Last evaluated: 2019-05-09. Review status: criteria provided, single submitter. Criteria: GeneDx Variant Classification Process June 2021. Collection method: clinical testing. Allele origin: germline. Affected: yes.
Comment: Not observed in large population cohorts (Lek et al., 2016); In silico analysis, which includes protein predictors and evolutionary conservation, supports that this variant does not alter protein structure/function; Has not been previously published as pathogenic or benign to our knowledge